The following is an entry in ClinVar:

ClinVar aggregate classification (germline): Uncertain significance (1 of 4 stars; one submission).

Allele frequency attached by ClinVar (database versions not stated): gnomAD exomes below 0.00001; ExAC 0.00001.
gnomAD v4.1: 1 of 1,613,916 alleles (0.000062%); highest among the groups gnomAD compares: South Asian, 0.0011%; no homozygotes.

Submission:

Labcorp Genetics (formerly Invitae), Labcorp
Classification: Uncertain significance. Last evaluated: 2022-10-24. Review status: criteria provided, single submitter. Criteria: Invitae Variant Classification Sherloc (09022015). Collection method: clinical testing. Allele origin: germline.
Comment: This sequence change replaces alanine, which is neutral and non-polar, with valine, which is neutral and non-polar, at codon 1073 of the TTC37 protein (p.Ala1073Val). This variant is present in population databases (rs752249729, gnomAD 0.003%). This variant has not been reported in the literature in individuals affected with TTC37-related conditions. Algorithms developed to predict the effect of missense changes on protein structure and function (SIFT, PolyPhen-2, Align-GVGD) all suggest that this variant is likely to be tolerated. In summary, the available evidence is currently insufficient to determine the role of this variant in disease. Therefore, it has been classified as a Variant of Uncertain Significance.

NM_014639.4(SKIC3):c.3218C>T (p.Ala1073Val)

Gene: SKIC3 (SKI3 subunit of superkiller complex; minus strand). Cytogenetic location: 5q15.
Variant type: single nucleotide variant.
Coding change: c.3218C>T on transcript NM_014639.4 (MANE Select); coding-DNA position 3218, C replaced by T.
Protein change: p.Ala1073Val; replaces alanine 1073 with valine.
Molecular consequence: missense variant.
Genome position (GRCh38, 1-based): chr5:95,503,003, G>A on the plus strand (C>T on the coding strand, the complement: SKIC3 is on the minus strand). VCF-style: chr5-95503003-G-A. GRCh37 (hg19) VCF-style: chr5-94838707-G-A.
Other names: short protein forms A1073V.
Identifiers: ClinVar variation 1999588 (VCV001999588.4), dbSNP rs752249729, ClinGen allele CA3346797.
Genomic context (GRCh38, chr5:95,503,003, plus strand): 5'-GCTGTCAAGATATGGGCTTTGTCTTGCTCCGATTCAACAATAGACAAGGCTCTCTCATAG[G>A]CTGTTACATAGAAGTGAAAACAAACAAAACAATATAAAAGCCATCCTGATTGATGAAGCA-3'
Protein context (NP_055454.1, residues 1063-1083): MKGLYKESSK[Ala1073Val]YERALSIVES